The following is an entry in ClinVar:

ClinVar aggregate classification (germline): Uncertain significance. Review status: criteria provided, multiple submitters, no conflicts (2 of 4 stars). 4 submissions from 4 submitters: Uncertain significance (4). Last evaluated 2025-12-18.

Conditions:
Inborn genetic diseases. Identifiers: MedGen C0950123, MeSH D030342.
Hyperphosphatasia with impaired intellectual development syndrome 2. Also called: Hyperphosphatasia with intellectual disability syndrome 2; GLYCOSYLPHOSPHATIDYLINOSITOL BIOSYNTHESIS DEFECT 6. Identifiers: Orphanet 247262, MedGen C3553637, MONDO:0013882, OMIM 614749.

Allele frequency attached by ClinVar (database versions not stated): gnomAD 0.00003; ESP Exome Variant Server 0.00008.

Submissions (4):

GeneDx
Classification: Uncertain significance. Last evaluated: 2025-12-18. Review status: criteria provided, single submitter. Criteria: GeneDx Variant Classification Process June 2021. Collection method: clinical testing. Allele origin: germline. Affected: yes.
Comment: In silico analysis suggests that this missense variant does not alter protein structure/function; Has not been previously published as pathogenic or benign to our knowledge

Ambry Genetics
Classification: Uncertain significance for Inborn genetic diseases. Last evaluated: 2024-08-01. Review status: criteria provided, single submitter. Criteria: Ambry Variant Classification Scheme 2023. Collection method: clinical testing. Allele origin: germline.

Labcorp Genetics (formerly Invitae), Labcorp
Classification: Uncertain significance for Hyperphosphatasia with impaired intellectual development syndrome 2. Last evaluated: 2023-11-28. Review status: criteria provided, single submitter. Criteria: Invitae Variant Classification Sherloc (09022015). Collection method: clinical testing. Allele origin: germline.
Comment: This sequence change replaces arginine, which is basic and polar, with glutamine, which is neutral and polar, at codon 664 of the PIGO protein (p.Arg664Gln). This variant is present in population databases (rs371923881, gnomAD 0.02%). This variant has not been reported in the literature in individuals affected with PIGO-related conditions. ClinVar contains an entry for this variant (Variation ID: 652206). Algorithms developed to predict the effect of missense changes on protein structure and function output the following: SIFT: "Not Available"; PolyPhen-2: "Benign"; Align-GVGD: "Not Available". The glutamine amino acid residue is found in multiple mammalian species, which suggests that this missense change does not adversely affect protein function. In summary, the available evidence is currently insufficient to determine the role of this variant in disease. Therefore, it has been classified as a Variant of Uncertain Significance.

Knight Diagnostic Laboratories, Oregon Health and Sciences University
Classification: Uncertain significance for Hyperphosphatasia with mental retardation syndrome 2. Last evaluated: 2019-09-06. Review status: criteria provided, single submitter. Criteria: ACMG Guidelines, 2015. Collection method: clinical testing. Allele origin: germline. Observed: 1 variant allele.

NM_032634.4(PIGO):c.1991G>A (p.Arg664Gln)

Gene: PIGO (phosphatidylinositol glycan anchor biosynthesis class O; minus strand). Cytogenetic location: 9p13.3.
Variant type: single nucleotide variant.
Coding change: c.1991G>A on transcript NM_032634.4 (MANE Select); coding-DNA position 1991, G replaced by A.
Protein change: p.Arg664Gln; replaces arginine 664 with glutamine.
Molecular consequence: missense variant. On other transcripts: intron variant (2).
Genome position (GRCh38, 1-based): chr9:35,091,896, C>T on the plus strand (G>A on the coding strand, the complement: PIGO is on the minus strand). VCF-style: chr9-35091896-C-T. GRCh37 (hg19) VCF-style: chr9-35091893-C-T.
Other names: c.1345-605G>A (NM_152850.4, NM_001201484.2); short protein forms R664Q.
Identifiers: ClinVar variation 652206 (VCV000652206.15), dbSNP rs371923881, ClinGen allele CA5040531.
Genomic context (GRCh38, chr9:35,091,896, plus strand): 5'-ACGGCAGCTAACAGGGCCACCAGCGCCGCCACACAAGCTCCATACCACAAATTCTTGGCT[C>T]GACCACCCACCATGGATGCCAGAGGACTCAGCCAGGGAGAGGAGTGGCAAACAGGTGTCT-3'
Protein context (NP_116023.2, residues 654-674): LSPLASMVGG[Arg664Gln]AKNLWYGACV